The following is an entry in ClinVar:

NM_199420.4(POLQ):c.3031A>G (p.Ser1011Gly)

Gene: POLQ (DNA polymerase theta; minus strand). Cytogenetic location: 3q13.33.
Variant type: single nucleotide variant.
Coding change: c.3031A>G on transcript NM_199420.4 (MANE Select); coding-DNA position 3031, A replaced by G.
Protein change: p.Ser1011Gly; replaces serine 1011 with glycine.
Molecular consequence: missense variant.
Genome position (GRCh38, 1-based): chr3:121,489,900, T>C on the plus strand (A>G on the coding strand, the complement: POLQ is on the minus strand). VCF-style: chr3-121489900-T-C. GRCh37 (hg19) VCF-style: chr3-121208747-T-C.
Other names: short protein forms S1011G.
Identifiers: ClinVar variation 1799046 (VCV001799046.2), dbSNP rs2546787893, ClinGen allele CA354103354.

ClinVar aggregate classification (germline): Uncertain significance (1 of 4 stars; one submission).

Allele frequency attached by ClinVar (database versions not stated): gnomAD exomes below 0.00001.
gnomAD v4.1: 1 of 1,598,492 alleles (0.000063%); highest among the groups gnomAD compares: Non-Finnish European, 0.000085%; no homozygotes.

Submission:

Ambry Genetics
Classification: Uncertain significance. Last evaluated: 2022-03-08. Review status: criteria provided, single submitter. Criteria: Ambry Variant Classification Scheme 2023. Collection method: clinical testing. Allele origin: germline.
Comment: The p.S1011G variant (also known as c.3031A>G), located in coding exon 16 of the POLQ gene, results from an A to G substitution at nucleotide position 3031. The serine at codon 1011 is replaced by glycine, an amino acid with similar properties. This amino acid position is conserved. In addition, this alteration is predicted to be tolerated by in silico analysis. Since supporting evidence is limited at this time, the clinical significance of this alteration remains unclear.